The following is an entry in ClinVar:

ClinVar aggregate classification (germline): Benign/Likely benign. Review status: criteria provided, multiple submitters, no conflicts (2 of 4 stars). 10 submissions from 10 submitters: Benign (3); Likely benign (7). Last evaluated 2026-04-20.

Conditions:
DICER1-related tumor predisposition. Also called: DICER1 syndrome; DICER1-related pleuropulmonary blastoma cancer predisposition syndrome. Identifiers: Orphanet 284343, MedGen C3839822, MONDO:0100216.
Hereditary cancer-predisposing syndrome. Also called: Tumor predisposition; Hereditary Cancer Syndrome; Neoplastic Syndromes, Hereditary; Hereditary neoplastic syndrome. Identifiers: Orphanet 140162, MedGen C0027672, MeSH D009386, MONDO:0015356.

Allele frequency attached by ClinVar (database versions not stated): TOPMed 0.00005; gnomAD exomes 0.00028 and 0.00062; ESP Exome Variant Server 0.00031; gnomAD 0.00059; 1000 Genomes Project 30x 0.00062; ExAC 0.00065; 1000 Genomes Project 0.00080.
gnomAD v4.1: 484 of 1,614,114 alleles (0.03%); highest among the groups gnomAD compares: Non-Finnish European, 0.012%; no homozygotes.

Submissions (10):

Myriad Genetics, Inc.
Classification: Benign for DICER1-related tumor predisposition. Last evaluated: 2026-04-20. Review status: criteria provided, single submitter. Criteria: Myriad Autosomal Dominant, Autosomal Recessive and X-Linked Classification Criteria (2023). Collection method: clinical testing. Allele origin: unknown.
Comment: This variant is considered benign. This variant is a silent/synonymous amino acid change and it is not expected to impact splicing.

Labcorp Genetics (formerly Invitae), Labcorp
Classification: Benign for DICER1-related tumor predisposition. Last evaluated: 2026-01-28. Review status: criteria provided, single submitter. Criteria: Invitae Variant Classification Sherloc (09022015). Collection method: clinical testing. Allele origin: germline.

Center for Genomic Medicine, Rigshospitalet, Copenhagen University Hospital
Classification: Likely benign. Last evaluated: 2025-03-04. Review status: criteria provided, single submitter. Criteria: ACMG Guidelines, 2015. Collection method: clinical testing. Allele origin: germline.

Blueprint Genetics
Classification: Likely benign. Last evaluated: 2024-10-22. Review status: criteria provided, single submitter. Criteria: ACMG Guidelines, 2015. Collection method: clinical testing. Allele origin: germline.

Quest Diagnostics Nichols Institute San Juan Capistrano
Classification: Benign. Last evaluated: 2022-12-24. Review status: criteria provided, single submitter. Criteria: Quest Diagnostics criteria. Collection method: clinical testing. Allele origin: unknown.

CeGaT Center for Human Genetics Tuebingen
Classification: Likely benign. Last evaluated: 2022-08-01. Review status: criteria provided, single submitter. Criteria: CeGaT Center For Human Genetics Tuebingen Variant Classification Criteria Version 2. Collection method: clinical testing. Allele origin: germline. Affected: yes. Observed: 1 variant allele.
Comment: DICER1: BP4, BP7

Sema4
Classification: Likely benign for Hereditary cancer-predisposing syndrome. Last evaluated: 2021-10-26. Review status: criteria provided, single submitter. Criteria: Sema4 Curation Guidelines. Collection method: curation. Allele origin: germline.

ARUP Laboratories, Molecular Genetics and Genomics, ARUP Laboratories
Classification: Likely benign. Last evaluated: 2021-09-13. Review status: criteria provided, single submitter. Criteria: ARUP Molecular Germline Variant Investigation Process 2021. Collection method: clinical testing. Allele origin: germline.

Genetic Services Laboratory, University of Chicago
Classification: Likely benign. Last evaluated: 2021-05-13. Review status: criteria provided, single submitter. Criteria: ACMG Guidelines, 2015. Collection method: clinical testing. Allele origin: germline. Affected: no.

Ambry Genetics
Classification: Likely benign for Hereditary cancer-predisposing syndrome. Last evaluated: 2017-04-04. Review status: criteria provided, single submitter. Criteria: Ambry Variant Classification Scheme 2023. Collection method: clinical testing. Allele origin: germline.

NM_177438.3(DICER1):c.5203C>T (p.Leu1735=)

Gene: DICER1 (dicer 1, ribonuclease III; minus strand). Cytogenetic location: 14q32.13.
Variant type: single nucleotide variant.
Coding change: c.5203C>T on transcript NM_177438.3 (MANE Select); coding-DNA position 5203, C replaced by T.
Protein change: p.Leu1735=; no amino-acid change (leucine 1735 retained).
Molecular consequence: synonymous variant.
Genome position (GRCh38, 1-based): chr14:95,094,049, G>A on the plus strand (C>T on the coding strand, the complement: DICER1 is on the minus strand). VCF-style: chr14-95094049-G-A. GRCh37 (hg19) VCF-style: chr14-95560386-G-A.
Other names: c.5203C>T, p.Leu1735= (NM_001195573.1, NM_001271282.3, NM_001291628.2 and 1 more transcripts).
Identifiers: ClinVar variation 242132 (VCV000242132.53), dbSNP rs188609628, ClinGen allele CA7330704.